The following is an entry in ClinVar:

NM_024334.3(TMEM43):c.706-9dup

Gene: TMEM43 (transmembrane protein 43; plus strand). Cytogenetic location: 3p25.1.
Variant type: Duplication.
Coding change: c.706-9dup on transcript NM_024334.3 (MANE Select); 9 bases into the intron before coding-DNA position 706, one base duplicated (C; older notation c.706-9dupC).
Molecular consequence: intron variant.
Genome position (GRCh38, 1-based): chr3:14,135,149, C duplicated; the last of 2 consecutive C bases (chr3:14,135,148-14,135,149); duplicating either gives the same sequence. VCF-style (leftmost placement, unchanged base first): chr3-14135147-T-TC. GRCh37 (hg19) VCF-style: chr3-14176647-T-TC.
Other names: c.709-9dup (NM_001407274.1); c.706-9dup (NM_001407276.1, NM_001407275.1, NM_001407277.1); c.705+258dup (NM_001407279.1); c.691-9dup (NM_001407278.1); c.556-9dup (NM_001407280.1).
Identifiers: ClinVar variation 3070089 (VCV003070089.1), dbSNP rs1309327130, ClinGen allele CA432551925.

ClinVar aggregate classification (germline): Likely benign (1 of 4 stars; one submission).

Conditions:
Arrhythmogenic right ventricular dysplasia 5. Also called: Arrhythmogenic Right Ventricular Dysplasia/Cardiomyopathy 5; ARRHYTHMOGENIC RIGHT VENTRICULAR DYSPLASIA, FAMILIAL, 5. Identifiers: MedGen C1858379, MONDO:0011459, OMIM 604400.

Submission:

All of Us Research Program, National Institutes of Health
Classification: Likely benign for Arrhythmogenic right ventricular dysplasia 5. Last evaluated: 2023-04-03. Review status: criteria provided, single submitter. Criteria: ACMG Guidelines, 2015. Collection method: clinical testing. Allele origin: germline. Inheritance: Autosomal dominant inheritance. Observed: 1 variant allele, 1 heterozygote.
Comment: This study involves interpretation of variants in research participants for the purpose of population health screening. Participant phenotype was not available at the time of variant classification. Additional details can be found in publication PMID: 35346344, PMCID: PMC8962531